The following is an entry in ClinVar:

NM_018671.5(UNC45A):c.1602G>T (p.Leu534=)

Gene: UNC45A (unc-45 myosin chaperone A; plus strand). Cytogenetic location: 15q26.1.
Variant type: single nucleotide variant.
Coding change: c.1602G>T on transcript NM_018671.5 (MANE Select); coding-DNA position 1602, G replaced by T.
Protein change: p.Leu534=; no amino-acid change (leucine 534 retained).
Molecular consequence: synonymous variant.
Genome position (GRCh38, 1-based): chr15:90,948,148, G>T. VCF-style: chr15-90948148-G-T. GRCh37 (hg19) VCF-style: chr15-91491378-G-T.
Other names: c.1557G>T, p.Leu519= (NM_001039675.2, NM_001323621.2); c.1602G>T, p.Leu534= (NM_001323619.1); c.1167G>T, p.Leu389= (NM_001323620.2).
Identifiers: ClinVar variation 3708663 (VCV003708663.3).

ClinVar aggregate classification (germline): Likely benign. Review status: criteria provided, multiple submitters, no conflicts (2 of 4 stars). 2 submissions from 2 submitters: Likely benign (2). Last evaluated 2026-03-30.

Conditions:
UNC45A-related disorder. Also called: UNC45A-related condition.

gnomAD v4.1: 28 of 1,614,066 alleles (0.0017%); highest among the groups gnomAD compares: African/African-American, 0.029%; 1 homozygote.

Submissions (2):

PreventionGenetics, part of Exact Sciences
Classification: Likely benign for UNC45A-related condition. Last evaluated: 2026-03-30. Review status: criteria provided, single submitter. Criteria: ACMG Guidelines, 2015. Collection method: clinical testing. Allele origin: germline.
Comment: This variant is classified as likely benign based on ACMG/AMP sequence variant interpretation guidelines (Richards et al. 2015 PMID: 25741868, with internal and published modifications).

Labcorp Genetics (formerly Invitae), Labcorp
Classification: Likely benign. Last evaluated: 2025-02-04. Review status: criteria provided, single submitter. Criteria: Invitae Variant Classification Sherloc (09022015). Collection method: clinical testing. Allele origin: germline.